The following is an entry in ClinVar:

NM_001394062.1(MACF1):c.12778A>T (p.Asn4260Tyr)

Gene: MACF1 (microtubule actin crosslinking factor 1; plus strand). Cytogenetic location: 1p34.3.
Variant type: single nucleotide variant.
Coding change: c.12778A>T on transcript NM_001394062.1 (MANE Select); coding-DNA position 12778, A replaced by T.
Protein change: p.Asn4260Tyr; replaces asparagine 4260 with tyrosine.
Molecular consequence: missense variant.
Genome position (GRCh38, 1-based): chr1:39,368,154, A>T. VCF-style: chr1-39368154-A-T. GRCh37 (hg19) VCF-style: chr1-39833826-A-T.
Other names: c.6592A>T, p.Asn2198Tyr (NM_012090.5); short protein forms N2198Y, N4260Y.
Identifiers: ClinVar variation 734979 (VCV000734979.8), dbSNP rs145646053, ClinGen allele CA781890.
Genomic context (GRCh38, chr1:39,368,154, plus strand): 5'-GAGTATATTTATAAGGATTAGAGGATTTAATACATTTCCTTGTTTGCTTGACAGGAGCTC[A>T]ATTTGGAAATGGAAGACCAACAGGAGAACCTAGATACTCTTGAGCACCTGGTCACTGAAC-3'
Protein context (NP_001380991.1, residues 4250-4270): THFFQQIQEL[Asn4260Tyr]LEMEDQQENL

ClinVar aggregate classification (germline): Likely benign. Review status: criteria provided, multiple submitters, no conflicts (2 of 4 stars). 3 submissions from 3 submitters: Likely benign (2). 1 of the submissions does not count toward it. Last evaluated 2025-02-03.

Conditions:
MACF1-related disorder. Also called: MACF1-related condition.

Allele frequency attached by ClinVar (database versions not stated): gnomAD 0.00015 and 0.00022; gnomAD exomes 0.00016 and 0.00050; TOPMed 0.00035; ExAC 0.00043; 1000 Genomes Project 30x 0.00125; 1000 Genomes Project 0.00160.
gnomAD v4.1: 277 of 1,613,858 alleles (0.017%); highest among the groups gnomAD compares: East Asian, 0.55%; 1 homozygote.

Submissions (3):

Labcorp Genetics (formerly Invitae), Labcorp
Classification: Likely benign. Last evaluated: 2025-02-03. Review status: criteria provided, single submitter. Criteria: Invitae Variant Classification Sherloc (09022015). Collection method: clinical testing. Allele origin: germline.

Blueprint Genetics
Classification: Likely benign. Last evaluated: 2024-06-13. Review status: criteria provided, single submitter. Criteria: ACMG Guidelines, 2015. Collection method: clinical testing. Allele origin: germline.

PreventionGenetics, part of Exact Sciences
Classification: Likely benign for MACF1-related condition. Last evaluated: 2021-06-17. Review status: no assertion criteria provided. Collection method: clinical testing. Allele origin: germline. Not counted in ClinVar's aggregate classification.
Comment: This variant is classified as likely benign based on ACMG/AMP sequence variant interpretation guidelines (Richards et al. 2015 PMID: 25741868, with internal and published modifications).